The following is an entry in ClinVar:

NM_005245.4(FAT1):c.2246A>G (p.Asn749Ser)

Gene: FAT1 (FAT atypical cadherin 1; minus strand). Cytogenetic location: 4q35.2.
Variant type: single nucleotide variant.
Coding change: c.2246A>G on transcript NM_005245.4 (MANE Select); coding-DNA position 2246, A replaced by G.
Protein change: p.Asn749Ser; replaces asparagine 749 with serine.
Molecular consequence: missense variant.
Genome position (GRCh38, 1-based): chr4:186,707,582, T>C on the plus strand (A>G on the coding strand, the complement: FAT1 is on the minus strand). VCF-style: chr4-186707582-T-C. GRCh37 (hg19) VCF-style: chr4-187628736-T-C.
Other names: c.2246A>G (NM_005245.3); short protein forms N749S.
Identifiers: ClinVar variation 2174010 (VCV002174010.2), dbSNP rs369161430, ClinGen allele CA3167300.

ClinVar aggregate classification (germline): Uncertain significance. Review status: criteria provided, multiple submitters, no conflicts (2 of 4 stars). 2 submissions from 2 submitters: Uncertain significance (2). Last evaluated 2025-12-03.

Conditions:
Inborn genetic diseases. Identifiers: MedGen C0950123, MeSH D030342.

Allele frequency attached by ClinVar (database versions not stated): TOPMed 0.00006; ESP Exome Variant Server 0.00008; gnomAD 0.00003.
gnomAD v4.1: 78 of 1,613,926 alleles (0.0048%); highest among the groups gnomAD compares: Admixed American, 0.0083%; no homozygotes.

Submissions (2):

Ambry Genetics
Classification: Uncertain significance for Inborn genetic diseases. Last evaluated: 2025-12-03. Review status: criteria provided, single submitter. Criteria: Ambry Variant Classification Scheme 2023. Collection method: clinical testing. Allele origin: germline.

Labcorp Genetics (formerly Invitae), Labcorp
Classification: Uncertain significance. Last evaluated: 2022-05-24. Review status: criteria provided, single submitter. Criteria: Invitae Variant Classification Sherloc (09022015). Collection method: clinical testing. Allele origin: germline.
Comment: This sequence change replaces asparagine, which is neutral and polar, with serine, which is neutral and polar, at codon 749 of the FAT1 protein (p.Asn749Ser). This variant is present in population databases (rs369161430, gnomAD 0.01%). This variant has not been reported in the literature in individuals affected with FAT1-related conditions. Algorithms developed to predict the effect of missense changes on protein structure and function are either unavailable or do not agree on the potential impact of this missense change (SIFT: "Tolerated"; PolyPhen-2: "Possibly Damaging"; Align-GVGD: "Class C0"). In summary, the available evidence is currently insufficient to determine the role of this variant in disease. Therefore, it has been classified as a Variant of Uncertain Significance.